The following is an entry in ClinVar:

NM_139076.3(ABRAXAS1):c.661T>C (p.Ser221Pro)

Gene: ABRAXAS1 (abraxas 1, BRCA1 A complex subunit; minus strand). Cytogenetic location: 4q21.23.
Variant type: single nucleotide variant.
Coding change: c.661T>C on transcript NM_139076.3 (MANE Select); coding-DNA position 661, T replaced by C.
Protein change: p.Ser221Pro; replaces serine 221 with proline.
Molecular consequence: missense variant.
Genome position (GRCh38, 1-based): chr4:83,467,474, A>G on the plus strand (T>C on the coding strand, the complement: ABRAXAS1 is on the minus strand). VCF-style: chr4-83467474-A-G. GRCh37 (hg19) VCF-style: chr4-84388627-A-G.
Other names: c.334T>C, p.Ser112Pro (NM_001345962.2); short protein forms S112P, S221P.
Identifiers: ClinVar variation 1799735 (VCV001799735.2), dbSNP rs2529431299, ClinGen allele CA357258693.

ClinVar aggregate classification (germline): Uncertain significance (1 of 4 stars; one submission).

Submission:

Ambry Genetics
Classification: Uncertain significance. Last evaluated: 2021-10-03. Review status: criteria provided, single submitter. Criteria: Ambry Variant Classification Scheme 2023. Collection method: clinical testing. Allele origin: germline.
Comment: The p.S221P variant (also known as c.661T>C), located in coding exon 7 of the FAM175A gene, results from a T to C substitution at nucleotide position 661. The serine at codon 221 is replaced by proline, an amino acid with similar properties. This amino acid position is conserved. In addition, this alteration is predicted to be tolerated by in silico analysis. Since supporting evidence is limited at this time, the clinical significance of this alteration remains unclear.